The following is an entry in ClinVar:

ClinVar aggregate classification (germline): Likely benign. Review status: criteria provided, single submitter (1 of 4 stars). 2 submissions from 2 submitters: Likely benign (1). 1 of the submissions does not count toward it. Last evaluated 2024-08-13.

Conditions:
H6PD-related disorder. Also called: H6PD-related condition.

Allele frequency attached by ClinVar (database versions not stated): ExAC 0.00003; TOPMed 0.00003; gnomAD 0.00004; ESP Exome Variant Server 0.00015.
gnomAD v4.1: 46 of 1,612,926 alleles (0.0029%); highest among the groups gnomAD compares: Middle Eastern, 0.033%; no homozygotes.

Submissions (2):

Labcorp Genetics (formerly Invitae), Labcorp
Classification: Likely benign. Last evaluated: 2024-08-13. Review status: criteria provided, single submitter. Criteria: Invitae Variant Classification Sherloc (09022015). Collection method: clinical testing. Allele origin: germline.

PreventionGenetics, part of Exact Sciences
Classification: Likely benign for H6PD-related condition. Last evaluated: 2019-07-10. Review status: no assertion criteria provided. Collection method: clinical testing. Allele origin: germline. Not counted in ClinVar's aggregate classification.
Comment: This variant is classified as likely benign based on ACMG/AMP sequence variant interpretation guidelines (Richards et al. 2015 PMID: 25741868, with internal and published modifications).

NM_004285.4(H6PD):c.1929C>T (p.His643=)

Gene: H6PD (hexose-6-phosphate dehydrogenase/glucose 1-dehydrogenase; plus strand). Cytogenetic location: 1p36.22.
Variant type: single nucleotide variant.
Coding change: c.1929C>T on transcript NM_004285.4 (MANE Select); coding-DNA position 1929, C replaced by T.
Protein change: p.His643=; no amino-acid change (histidine 643 retained).
Molecular consequence: synonymous variant.
Genome position (GRCh38, 1-based): chr1:9,264,422, C>T. VCF-style: chr1-9264422-C-T. GRCh37 (hg19) VCF-style: chr1-9324481-C-T.
Other names: c.1962C>T, p.His654= (NM_001282587.2).
Identifiers: ClinVar variation 3050678 (VCV003050678.4), dbSNP rs139743824, ClinGen allele CA575468.